The following is an entry in ClinVar:

NM_005334.3(HCFC1):c.1059C>G (p.Cys353Trp)

Gene: HCFC1 (host cell factor C1; minus strand). Cytogenetic location: Xq28.
Variant type: single nucleotide variant.
Coding change: c.1059C>G on transcript NM_005334.3 (MANE Select); coding-DNA position 1059, C replaced by G.
Protein change: p.Cys353Trp; replaces cysteine 353 with tryptophan.
Molecular consequence: missense variant.
Genome position (GRCh38, 1-based): chrX:153,960,260, G>C on the plus strand (C>G on the coding strand, the complement: HCFC1 is on the minus strand). VCF-style: chrX-153960260-G-C. GRCh37 (hg19) VCF-style: chrX-153225711-G-C.
Other names: c.1059C>G, p.Cys353Trp (NM_001410705.1, NM_001440843.1, NM_001440844.1 and 7 more transcripts); short protein forms C353W.
Identifiers: ClinVar variation 4742049 (VCV004742049.1).

ClinVar aggregate classification (germline): Uncertain significance (1 of 4 stars; one submission).

Conditions:
Methylmalonic acidemia with homocystinuria, type cblX (MAHCX). Also called: INTELLECTUAL DEVELOPMENTAL DISORDER, X-LINKED 3. Identifiers: Orphanet 369962, MedGen C0796208, MONDO:0010657, OMIM 309541.

Submission:

Labcorp Genetics (formerly Invitae), Labcorp
Classification: Uncertain significance for Methylmalonic acidemia with homocystinuria, type cblX. Last evaluated: 2025-10-06. Review status: criteria provided, single submitter. Criteria: Invitae Variant Classification Sherloc (09022015). Collection method: clinical testing. Allele origin: germline.
Comment: This sequence change replaces cysteine, which is neutral and slightly polar, with tryptophan, which is neutral and slightly polar, at codon 353 of the HCFC1 protein (p.Cys353Trp). This variant is not present in population databases (gnomAD no frequency). This variant has not been reported in the literature in individuals affected with HCFC1-related conditions. Invitae Evidence Modeling of protein sequence and biophysical properties (such as structural, functional, and spatial information, amino acid conservation, physicochemical variation, residue mobility, and thermodynamic stability) indicates that this missense variant is expected to disrupt HCFC1 protein function with a positive predictive value of 80%. In summary, the available evidence is currently insufficient to determine the role of this variant in disease. Therefore, it has been classified as a Variant of Uncertain Significance.